The following is an entry in ClinVar:

NM_001308210.2(TSHZ1):c.1843G>A (p.Ala615Thr)

Gene: TSHZ1 (teashirt zinc finger homeobox 1; plus strand). Cytogenetic location: 18q22.3.
Variant type: single nucleotide variant.
Coding change: c.1843G>A on transcript NM_001308210.2 (MANE Select); coding-DNA position 1843, G replaced by A.
Protein change: p.Ala615Thr; replaces alanine 615 with threonine.
Molecular consequence: missense variant.
Genome position (GRCh38, 1-based): chr18:75,287,250, G>A. VCF-style: chr18-75287250-G-A. GRCh37 (hg19) VCF-style: chr18-72999205-G-A.
Other names: c.1708G>A, p.Ala570Thr (NM_005786.6); c.1708G>A (NM_005786.4); short protein forms A570T, A615T.
Identifiers: ClinVar variation 327826 (VCV000327826.9), dbSNP rs149729975, ClinGen allele CA9002137.

ClinVar aggregate classification (germline): Likely benign. Review status: criteria provided, multiple submitters, no conflicts (2 of 4 stars). 6 submissions from 6 submitters: Likely benign (3). 3 of the submissions do not count toward it. Last evaluated 2025-08-03.

Conditions:
TSHZ1-related disorder. Also called: TSHZ1-related condition.

Allele frequency attached by ClinVar (database versions not stated): 1000 Genomes Project 0.00120; 1000 Genomes Project 30x 0.00141; gnomAD 0.00211 and 0.00269; ExAC 0.00226; gnomAD exomes 0.00241; ESP Exome Variant Server 0.00254; TOPMed 0.00359.
gnomAD v4.1: 4,938 of 1,613,938 alleles (0.31%); highest among the groups gnomAD compares: Non-Finnish European, 0.34%; 21 homozygotes.

Submissions (6):

Ambry Genetics
Classification: Likely benign. Last evaluated: 2025-08-03. Review status: criteria provided, single submitter. Criteria: Ambry Variant Classification Scheme 2023. Collection method: clinical testing. Allele origin: germline.

Blueprint Genetics
Classification: Likely benign. Last evaluated: 2024-11-28. Review status: criteria provided, single submitter. Criteria: ACMG Guidelines, 2015. Collection method: clinical testing. Allele origin: germline.

Breakthrough Genomics
Classification: Likely benign. Review status: criteria provided, single submitter. Criteria: ACMG Guidelines, 2015. Collection method: not provided. Allele origin: germline. Inheritance: Autosomal dominant inheritance. Affected: yes.

PreventionGenetics, part of Exact Sciences
Classification: Benign for TSHZ1-related condition. Last evaluated: 2019-10-29. Review status: no assertion criteria provided. Collection method: clinical testing. Allele origin: germline. Not counted in ClinVar's aggregate classification.
Comment: This variant is classified as benign based on ACMG/AMP sequence variant interpretation guidelines (Richards et al. 2015 PMID: 25741868, with internal and published modifications).

Joint Genome Diagnostic Labs from Nijmegen and Maastricht, Radboudumc and MUMC+
Classification: Likely benign. Review status: no assertion criteria provided. Collection method: clinical testing. Allele origin: germline. Affected: yes. Study: VKGL Data-share Consensus. Not counted in ClinVar's aggregate classification.

Laboratory of Diagnostic Genome Analysis, Leiden University Medical Center (LUMC)
Classification: Likely benign. Review status: no assertion criteria provided. Collection method: clinical testing. Allele origin: germline. Affected: yes. Study: VKGL Data-share Consensus. Not counted in ClinVar's aggregate classification.